The following is an entry in ClinVar:

ClinVar aggregate classification (germline): Likely benign (1 of 4 stars; one submission).

Submission:

CeGaT Center for Human Genetics Tuebingen
Classification: Likely benign. Last evaluated: 2024-07-01. Review status: criteria provided, single submitter. Criteria: CeGaT Center For Human Genetics Tuebingen Variant Classification Criteria Version 2. Collection method: clinical testing. Allele origin: germline. Affected: yes. Observed: 1 variant allele.
Comment: LONP1: BP4, BP7

NM_004793.4(LONP1):c.2202C>T (p.Ser734=)

Gene: LONP1 (lon peptidase 1, mitochondrial; minus strand). Cytogenetic location: 19p13.3.
Variant type: single nucleotide variant.
Coding change: c.2202C>T on transcript NM_004793.4 (MANE Select); coding-DNA position 2202, C replaced by T.
Protein change: p.Ser734=; no amino-acid change (serine 734 retained).
Molecular consequence: synonymous variant. On other transcripts: non-coding transcript variant (1).
Genome position (GRCh38, 1-based): chr19:5,694,505, G>A on the plus strand (C>T on the coding strand, the complement: LONP1 is on the minus strand). VCF-style: chr19-5694505-G-A. GRCh37 (hg19) VCF-style: chr19-5694516-G-A.
Other names: c.2010C>T, p.Ser670= (NM_001276479.2); c.1614C>T, p.Ser538= (NM_001276480.1).
Identifiers: ClinVar variation 3257663 (VCV003257663.17).
Genomic context (GRCh38, chr19:5,694,505, plus strand): 5'-CTCCACGGTGAACACGGGCTTCCCCACGAAGTCCTGCAGGTTCTCGGGCGTCACCTCCAC[G>A]GACTCGGCCTCGCCGCTGACAATCTTGTAGGCCGATTTCCGTAACACCTGGGCGGTCAGG-3'
Protein context (NP_004784.2, residues 724-744): AYKIVSGEAE[Ser734=]VEVTPENLQD